The following is an entry in ClinVar:

ClinVar aggregate classification (germline): Uncertain significance (1 of 4 stars; one submission).

Allele frequency attached by ClinVar (database versions not stated): gnomAD 0.00001 and 0.00003; TOPMed 0.00003; gnomAD exomes 0.00005 and 0.00007; ExAC 0.00008; 1000 Genomes Project 0.00040; 1000 Genomes Project 30x 0.00047.
gnomAD v4.1: 80 of 1,613,970 alleles (0.005%); highest among the groups gnomAD compares: East Asian, 0.06%; no homozygotes.

Submission:

Labcorp Genetics (formerly Invitae), Labcorp
Classification: Uncertain significance. Last evaluated: 2024-02-17. Review status: criteria provided, single submitter. Criteria: Invitae Variant Classification Sherloc (09022015). Collection method: clinical testing. Allele origin: germline.
Comment: This sequence change replaces glycine, which is neutral and non-polar, with arginine, which is basic and polar, at codon 246 of the TUBA8 protein (p.Gly246Arg). This variant is present in population databases (rs185024084, gnomAD 0.05%). This variant has not been reported in the literature in individuals affected with TUBA8-related conditions. ClinVar contains an entry for this variant (Variation ID: 1353357). Advanced modeling of protein sequence and biophysical properties (such as structural, functional, and spatial information, amino acid conservation, physicochemical variation, residue mobility, and thermodynamic stability) performed at Invitae indicates that this missense variant is expected to disrupt TUBA8 protein function with a positive predictive value of 80%. Algorithms developed to predict the effect of sequence changes on RNA splicing suggest that this variant may create or strengthen a splice site. In summary, the available evidence is currently insufficient to determine the role of this variant in disease. Therefore, it has been classified as a Variant of Uncertain Significance.

NM_018943.3(TUBA8):c.736G>A (p.Gly246Arg)

Gene: TUBA8 (tubulin alpha 8; plus strand). Cytogenetic location: 22q11.21.
Variant type: single nucleotide variant.
Coding change: c.736G>A on transcript NM_018943.3 (MANE Select); coding-DNA position 736, G replaced by A.
Protein change: p.Gly246Arg; replaces glycine 246 with arginine.
Molecular consequence: missense variant.
Genome position (GRCh38, 1-based): chr22:18,126,714, G>A. VCF-style: chr22-18126714-G-A. GRCh37 (hg19) VCF-style: chr22-18609481-G-A.
Other names: c.538G>A, p.Gly180Arg (NM_001193414.2); short protein forms G246R, G180R.
Identifiers: ClinVar variation 1353357 (VCV001353357.6), dbSNP rs185024084, ClinGen allele CA10093745.